The following is an entry in ClinVar:

ClinVar aggregate classification (germline): Benign/Likely benign. Review status: criteria provided, multiple submitters, no conflicts (2 of 4 stars). 4 submissions from 4 submitters: Benign (1); Likely benign (3). Last evaluated 2025-12-23.

Conditions:
Renal tubular dysgenesis of genetic origin. Also called: PRIMITIVE RENAL TUBULE SYNDROME. Identifiers: Orphanet 97369, MedGen C5681536, MONDO:0009970, OMIM 267430.
Microvascular complications of diabetes, susceptibility to, 3. Identifiers: MedGen C2675470, MONDO:0012963, OMIM 612624.
Hemorrhage, intracerebral, susceptibility to (ICH). Also called: Stroke, hemorrhagic, susceptibility to. Identifiers: MedGen C3281105, MONDO:0100533, OMIM 614519.
Renal tubular dysgenesis. Also called: Renotubular dysgenesis. Identifiers: Orphanet 3033, MedGen C0266313, MONDO:0017609, HP:0008660.

Allele frequency attached by ClinVar (database versions not stated): gnomAD exomes 0.00016 and 0.00043; ExAC 0.00052; ESP Exome Variant Server 0.00123; gnomAD 0.00130 and 0.00133; TOPMed 0.00167; 1000 Genomes Project 30x 0.00312; 1000 Genomes Project 0.00339.
gnomAD v4.1: 451 of 1,614,100 alleles (0.028%); highest among the groups gnomAD compares: African/African-American, 0.48%; 1 homozygote.

Submissions (4):

Labcorp Genetics (formerly Invitae), Labcorp
Classification: Benign. Last evaluated: 2025-12-23. Review status: criteria provided, single submitter. Criteria: Invitae Variant Classification Sherloc (09022015). Collection method: clinical testing. Allele origin: germline.

Blueprint Genetics
Classification: Likely benign. Last evaluated: 2024-11-07. Review status: criteria provided, single submitter. Criteria: ACMG Guidelines, 2015. Collection method: clinical testing. Allele origin: germline.

Fulgent Genetics
Classification: Likely benign for Renal tubular dysgenesis of genetic origin; Microvascular complications of diabetes, susceptibility to, 3; Hemorrhage, intracerebral, susceptibility to. Last evaluated: 2021-08-09. Review status: criteria provided, single submitter. Criteria: ACMG Guidelines, 2015. Collection method: clinical testing. Allele origin: unknown.

Illumina Laboratory Services, Illumina
Classification: Likely benign for Renal tubular dysgenesis of genetic origin. Last evaluated: 2018-01-13. Review status: criteria provided, single submitter. Criteria: ICSL Variant Classification Criteria 13 December 2019. Collection method: clinical testing. Allele origin: germline.
Comment: This variant was observed in the ICSL laboratory as part of a predisposition screen in an ostensibly healthy population. It had not been previously curated by ICSL or reported in the Human Gene Mutation Database (HGMD: prior to June 1st, 2018), and was therefore a candidate for classification through an automated scoring system. Utilizing variant allele frequency, disease prevalence and penetrance estimates, and inheritance mode, an automated score was calculated to assess if this variant is too frequent to cause the disease. Based on the score and internal cut-off values, a variant classified as likely benign is not then subjected to further curation. The score for this variant resulted in a classification of likely benign for this disease.

NM_000789.4(ACE):c.3489C>T (p.Ala1163=)

Gene: ACE (angiotensin I converting enzyme; plus strand). Cytogenetic location: 17q23.3.
Variant type: single nucleotide variant.
Coding change: c.3489C>T on transcript NM_000789.4 (MANE Select); coding-DNA position 3489, C replaced by T.
Protein change: p.Ala1163=; no amino-acid change (alanine 1163 retained).
Molecular consequence: synonymous variant. On other transcripts: intron variant (1).
Genome position (GRCh38, 1-based): chr17:63,496,502, C>T. VCF-style: chr17-63496502-C-T. GRCh37 (hg19) VCF-style: chr17-61573863-C-T.
Other names: c.1767C>T, p.Ala589= (NM_152830.3); c.1659-296C>T (NM_001178057.2).
Identifiers: ClinVar variation 889651 (VCV000889651.11), dbSNP rs4979, ClinGen allele CA8700509.